The following is an entry in ClinVar:

NM_144672.4(OTOA):c.1186G>A (p.Gly396Ser)

Gene: OTOA (otoancorin). Cytogenetic location: 16p12.2.
Variant type: single nucleotide variant.
Coding change: c.1186G>A on transcript NM_144672.4 (MANE Select); coding-DNA position 1186, G replaced by A.
Protein change: p.Gly396Ser; replaces glycine 396 with serine.
Molecular consequence: missense variant.
Genome position (GRCh38, 1-based): chr16:21,709,969, G>A. VCF-style: chr16-21709969-G-A. GRCh37 (hg19) VCF-style: chr16-21721290-G-A.
Other names: c.949G>A, p.Gly317Ser (NM_001161683.2); c.214G>A, p.Gly72Ser (NM_170664.3); short protein forms G72S, G317S, G396S.
Identifiers: ClinVar variation 930083 (VCV000930083.4), dbSNP rs1898305690, ClinGen allele CA395062309.
Genomic context (GRCh38, chr16:21,709,969, plus strand): 5'-ATTGCCATGGAGAACCAGACCCTCAATGAGACCCTGGGTTCTTTGTCGGATGCAGTTGTA[G>A]GTTTGACCTACAGCCAACTGGAATCCCTCTCCCCCGAGGCTGTGCACGGAGCCATCTCCA-3'
Protein context (NP_653273.3, residues 386-406): TLGSLSDAVV[Gly396Ser]LTYSQLESLS

ClinVar aggregate classification (germline): Uncertain significance (1 of 4 stars; one submission).

Submission:

Laboratory for Molecular Medicine, Mass General Brigham Personalized Medicine
Classification: Uncertain significance. Last evaluated: 2019-06-18. Review status: criteria provided, single submitter. Criteria: LMM Criteria. Collection method: clinical testing. Allele origin: germline. Observed: 1 variant allele.
Comment: The p.Gly396Ser variant in OTOA has not been previously reported in individuals with hearing loss and was absent from large population studies. Computational prediction tools and conservation analysis suggest that this variant may impact the protein, though this information is not predictive enough to determine pathogenicity. In summary, the clinical significance of this variant is uncertain. ACMG/AMP Criteria applied: PM2, PP3.